The following is an entry in ClinVar:

ClinVar aggregate classification (germline): Uncertain significance. Review status: criteria provided, multiple submitters, no conflicts (2 of 4 stars). 2 submissions from 2 submitters: Uncertain significance (2). Last evaluated 2025-08-18.

Conditions:
Congenital myasthenic syndrome 8. Also called: MYASTHENIC SYNDROME, CONGENITAL, DUE TO AGRIN DEFICIENCY; Myasthenic syndrome, congenital, 8, with pre- and postsynaptic defects. Identifiers: Orphanet 590, MedGen C3808739, MONDO:0014052, OMIM 615120.

Allele frequency attached by ClinVar (database versions not stated): gnomAD 0.00001; TOPMed 0.00002; gnomAD exomes 0.00011; ExAC 0.00014.
gnomAD v4.1: 30 of 1,601,392 alleles (0.0019%); highest among the groups gnomAD compares: Admixed American, 0.048%; no homozygotes.

Submissions (2):

Labcorp Genetics (formerly Invitae), Labcorp
Classification: Uncertain significance for Congenital myasthenic syndrome 8. Last evaluated: 2025-08-18. Review status: criteria provided, single submitter. Criteria: Invitae Variant Classification Sherloc (09022015). Collection method: clinical testing. Allele origin: germline.
Comment: This sequence change replaces tyrosine, which is neutral and polar, with phenylalanine, which is neutral and non-polar, at codon 574 of the AGRN protein (p.Tyr574Phe). This variant is present in population databases (rs749074796, gnomAD 0.08%). This variant has not been reported in the literature in individuals affected with AGRN-related conditions. ClinVar contains an entry for this variant (Variation ID: 474102). An algorithm developed to predict the effect of missense changes on protein structure and function (PolyPhen-2) suggests that this variant is likely to be tolerated. In summary, the available evidence is currently insufficient to determine the role of this variant in disease. Therefore, it has been classified as a Variant of Uncertain Significance.

GeneDx
Classification: Uncertain significance. Last evaluated: 2024-09-04. Review status: criteria provided, single submitter. Criteria: GeneDx Variant Classification Process June 2021. Collection method: clinical testing. Allele origin: germline. Affected: yes.
Comment: In silico analysis supports that this missense variant has a deleterious effect on protein structure/function; Has not been previously published as pathogenic or benign to our knowledge

NM_198576.4(AGRN):c.1721A>T (p.Tyr574Phe)

Gene: AGRN (agrin; plus strand). Cytogenetic location: 1p36.33.
Variant type: single nucleotide variant.
Coding change: c.1721A>T on transcript NM_198576.4 (MANE Select); coding-DNA position 1721, A replaced by T.
Protein change: p.Tyr574Phe; replaces tyrosine 574 with phenylalanine.
Molecular consequence: missense variant.
Genome position (GRCh38, 1-based): chr1:1,043,655, A>T. VCF-style: chr1-1043655-A-T. GRCh37 (hg19) VCF-style: chr1-979035-A-T.
Other names: c.1721A>T, p.Tyr574Phe (NM_001305275.2); c.1406A>T, p.Tyr469Phe (NM_001364727.2); short protein forms Y574F, Y469F.
Identifiers: ClinVar variation 474102 (VCV000474102.6), dbSNP rs749074796, ClinGen allele CA508306.